The following is an entry in ClinVar:

NM_000094.4(COL7A1):c.4278G>A (p.Pro1426=)

Gene: COL7A1 (collagen type VII alpha 1 chain; minus strand). Cytogenetic location: 3p21.31.
Variant type: single nucleotide variant.
Coding change: c.4278G>A on transcript NM_000094.4 (MANE Select); coding-DNA position 4278, G replaced by A.
Protein change: p.Pro1426=; no amino-acid change (proline 1426 retained).
Molecular consequence: synonymous variant.
Genome position (GRCh38, 1-based): chr3:48,583,900, C>T on the plus strand (G>A on the coding strand, the complement: COL7A1 is on the minus strand). VCF-style: chr3-48583900-C-T. GRCh37 (hg19) VCF-style: chr3-48621333-C-T.
Identifiers: ClinVar variation 991840 (VCV000991840.8), dbSNP rs749738987, ClinGen allele CA2380128.
Genomic context (GRCh38, chr3:48,583,900, plus strand): 5'-GCCCCAGGAGAGACCCACACCCCTGAGCAGGGCCCCCAGCAGAGCCTCAAGGCCCCTCAC[C>T]GGCAGCCCAGGCTCCCCAGGAGCAATGCCACCTTCACCTGGTCCAGGGGGACCCTGGGAG-3'
Protein context (NP_000085.1, residues 1416-1436): GGIAPGEPGL[Pro1426=]GLPGSPGPQG

ClinVar aggregate classification (germline): Uncertain significance. Review status: criteria provided, multiple submitters, no conflicts (2 of 4 stars). 4 submissions from 4 submitters: Uncertain significance (3). 1 of the submissions does not count toward it. Last evaluated 2025-12-03.

Conditions:
Epidermolysis bullosa dystrophica inversa, autosomal recessive. Identifiers: MedGen C2673612.
Transient bullous dermolysis of the newborn (TBDN). Also called: EPIDERMOLYSIS BULLOSA DYSTROPHICA, NEONATAL FORM; DYSTROPHIC EPIDERMOLYSIS BULLOSA, NEONATAL. Identifiers: Orphanet 79411, MedGen C1851573, MONDO:0007548, OMIM 131705.
Recessive dystrophic epidermolysis bullosa (RDEB). Also called: Recessive DEB (RDEB); DYSTROPHIC EPIDERMOLYSIS BULLOSA, AUTOSOMAL RECESSIVE; EPIDERMOLYSIS BULLOSA DYSTROPHICA, HALLOPEAU-SIEMENS TYPE; Hallopeau-Siemens Disease; EPIDERMOLYSIS BULLOSA DYSTROPHICA, GENERALIZED SEVERE, AUTOSOMAL RECESSIVE; severe generalized recessive dystrophic epidermolysis bullosa. Identifiers: Orphanet 79408, Orphanet 79409, MedGen C0079474, MONDO:0009179, OMIM 226600.
Generalized dominant dystrophic epidermolysis bullosa (DDEB). Also called: Dominant DEB (DDEB); DDEB, generalized; DDEB-gen; DYSTROPHIC EPIDERMOLYSIS BULLOSA, AUTOSOMAL DOMINANT; Epidermolysis bullosa dystrophica, autosomal dominant. Identifiers: Orphanet 231568, MedGen C0432322, MONDO:0007549, OMIM 131750.
Nonsyndromic congenital nail disorder 8. Also called: TOENAIL DYSTROPHY, ISOLATED. Identifiers: MedGen C1843761, MONDO:0011852, OMIM 607523.
Epidermolysis bullosa pruriginosa. Also called: DEB, PRURIGINOSA; DYSTROPHIC EPIDERMOLYSIS BULLOSA PRURIGINOSA. Identifiers: Orphanet 89843, MedGen C1275114, MONDO:0011398, OMIM 604129.
Pretibial dystrophic epidermolysis bullosa. Also called: Pretibial epidermolysis bullosa; Pretibial blistering; EPIDERMOLYSIS BULLOSA DYSTROPHICA, PRETIBIAL. Identifiers: Orphanet 79410, MedGen C0432321, MONDO:0007552, OMIM 131850, HP:0012221.
Dominant dystrophic epidermolysis bullosa with absence of skin. Also called: EPIDERMOLYSIS BULLOSA DYSTROPHICA, BART TYPE; EPIDERMOLYSIS BULLOSA WITH CONGENITAL LOCALIZED ABSENCE OF SKIN AND DEFORMITY OF NAILS. Identifiers: MedGen C0268371, MONDO:0007557, OMIM 132000.

Allele frequency attached by ClinVar (database versions not stated): ExAC 0.00001; gnomAD 0.00001; TOPMed 0.00001; gnomAD exomes 0.00002.
gnomAD v4.1: 35 of 1,613,716 alleles (0.0022%); highest among the groups gnomAD compares: South Asian, 0.0033%; no homozygotes.

Submissions (5):

Labcorp Genetics (formerly Invitae), Labcorp
Classification: Uncertain significance. Last evaluated: 2025-12-03. Review status: criteria provided, single submitter. Criteria: Invitae Variant Classification Sherloc (09022015). Collection method: clinical testing. Allele origin: germline.
Comment: This sequence change affects codon 1426 of the COL7A1 mRNA. It is a 'silent' change, meaning that it does not change the encoded amino acid sequence of the COL7A1 protein. This variant also falls at the last nucleotide of exon 38, which is part of the consensus splice site for this exon. This variant is present in population databases (rs749738987, gnomAD 0.01%). This variant has not been reported in the literature in individuals affected with COL7A1-related conditions. ClinVar contains an entry for this variant (Variation ID: 991840). Variants that disrupt the consensus splice site are a relatively common cause of aberrant splicing (PMID: 17576681, 9536098). Algorithms developed to predict the effect of sequence changes on RNA splicing suggest that this variant may disrupt the consensus splice site. In summary, the available evidence is currently insufficient to determine the role of this variant in disease. Therefore, it has been classified as a Variant of Uncertain Significance.

Blueprint Genetics
Classification: Uncertain significance. Last evaluated: 2024-10-02. Review status: criteria provided, single submitter. Criteria: ACMG Guidelines, 2015. Collection method: clinical testing. Allele origin: germline.

Fulgent Genetics
Classification: Uncertain significance for Transient bullous dermolysis of the newborn; Generalized dominant dystrophic epidermolysis bullosa; Pretibial dystrophic epidermolysis bullosa; Dominant dystrophic epidermolysis bullosa with absence of skin; Recessive dystrophic epidermolysis bullosa; Epidermolysis bullosa pruriginosa; Nonsyndromic congenital nail disorder 8. Last evaluated: 2022-01-13. Review status: criteria provided, single submitter. Criteria: ACMG Guidelines, 2015. Collection method: clinical testing. Allele origin: unknown.

Natera, Inc.
Classification: Uncertain significance for Autosomal recessive epidermolysis bullosa dystrophica inversa. Last evaluated: 2020-10-14. Review status: no assertion criteria provided. Collection method: clinical testing. Allele origin: germline. Not counted in ClinVar's aggregate classification.

Dr. Peter K. Rogan Lab, Western University
No classification provided (evidence only). Condition: Malignant tumor of urinary bladder. Review status: no classification provided. Collection method: in vitro. Allele origin: not applicable. Functional consequence: skipped exon, retained intron. Not counted in ClinVar's aggregate classification.

Literature cited by the submitters: PubMed 17576681 (cited by Labcorp Genetics (formerly Invitae), Labcorp); PubMed 9536098 (cited by Labcorp Genetics (formerly Invitae), Labcorp).